The following is an entry in ClinVar:

ClinVar aggregate classification (germline): Uncertain significance (1 of 4 stars; one submission).

Conditions:
Cardiomyopathy (CMYO). Also called: Cardiomyopathies. Identifiers: Orphanet 167848, MedGen C0878544, MONDO:0004994, HP:0001638. Inheritance: Various modes of inheritance.

Allele frequency attached by ClinVar (database versions not stated): gnomAD exomes below 0.00001.
gnomAD v4.1: 1 of 1,614,088 alleles (0.000062%); highest among the groups gnomAD compares: South Asian, 0.0011%; no homozygotes.

Submission:

Color Diagnostics, LLC DBA Color Health
Classification: Uncertain significance for Cardiomyopathy. Last evaluated: 2023-09-12. Review status: criteria provided, single submitter. Criteria: ACMG Guidelines, 2015. Collection method: clinical testing. Allele origin: germline.
Comment: This missense variant replaces serine with asparagine at codon 711 of the DSP protein. Computational prediction suggests that this variant may not impact protein structure and function (internally defined REVEL score threshold <= 0.5, PMID: 27666373). To our knowledge, functional studies have not been reported for this variant. This variant has not been reported in individuals affected with DSP-related disorders in the literature. This variant has not been identified in the general population by the Genome Aggregation Database (gnomAD). The available evidence is insufficient to determine the role of this variant in disease conclusively. Therefore, this variant is classified as a Variant of Uncertain Significance.

NM_004415.4(DSP):c.2132G>A (p.Ser711Asn)

Gene: DSP (desmoplakin; plus strand). Cytogenetic location: 6p24.3.
Variant type: single nucleotide variant.
Coding change: c.2132G>A on transcript NM_004415.4 (MANE Select); coding-DNA position 2132, G replaced by A.
Protein change: p.Ser711Asn; replaces serine 711 with asparagine.
Molecular consequence: missense variant.
Genome position (GRCh38, 1-based): chr6:7,574,087, G>A. VCF-style: chr6-7574087-G-A. GRCh37 (hg19) VCF-style: chr6-7574320-G-A.
Other names: c.2132G>A, p.Ser711Asn (NM_001008844.3, NM_001319034.2); short protein forms S711N.
Identifiers: ClinVar variation 2775280 (VCV002775280.2), dbSNP rs2533903051, ClinGen allele CA362680635.
Genomic context (GRCh38, chr6:7,574,087, plus strand): 5'-TATATACAGTAATAAAAAGAATCAGCTAAATCAAAAGAGCTTTCCTTCATTTTTGACAGA[G>A]TGTGCAGAATGATTCACAAGCAATTGCTGAGGTTCTCAACCAGCTTAAAGATATGCTTGC-3'
Protein context (NP_004406.2, residues 701-721): HITVKINELK[Ser711Asn]VQNDSQAIAE